The following is an entry in ClinVar:

ClinVar aggregate classification (germline): Pathogenic/Likely pathogenic. Review status: criteria provided, multiple submitters, no conflicts (2 of 4 stars). 2 submissions from 2 submitters: Pathogenic (1); Likely pathogenic (1). Last evaluated 2025-05-15.

Conditions:
X-linked Emery-Dreifuss muscular dystrophy. Also called: Muscular dystrophy, tardive Emery-Dreifuss type, with contractures. Identifiers: Orphanet 261, Orphanet 98863, MedGen C0751337, MONDO:0010680.

Submissions (2):

Labcorp Genetics (formerly Invitae), Labcorp
Classification: Pathogenic for X-linked Emery-Dreifuss muscular dystrophy. Last evaluated: 2025-05-15. Review status: criteria provided, single submitter. Criteria: Invitae Variant Classification Sherloc (09022015). Collection method: clinical testing. Allele origin: germline.
Comment: This sequence change creates a premature translational stop signal (p.Ser120*) in the EMD gene. It is expected to result in an absent or disrupted protein product. Loss-of-function variants in EMD are known to be pathogenic (PMID: 24365856). This variant is not present in population databases (gnomAD no frequency). This premature translational stop signal has been observed in individual(s) with Emery-Dreifuss muscular dystrophy (PMID: 9536090). This variant is also known as nt953 del CAGT. ClinVar contains an entry for this variant (Variation ID: 3383705). For these reasons, this variant has been classified as Pathogenic.

GeneDx
Classification: Likely pathogenic. Last evaluated: 2024-05-29. Review status: criteria provided, single submitter. Criteria: GeneDx Variant Classification Process June 2021. Collection method: clinical testing. Allele origin: germline. Affected: yes.
Comment: Nonsense variant predicted to result in protein truncation or nonsense mediated decay in a gene for which loss of function is a known mechanism of disease; Not observed at significant frequency in large population cohorts (gnomAD); This variant is associated with the following publications: (PMID: 10382909, 9536090, 17620497)

Literature cited by the submitters: PubMed 24365856 (cited by Labcorp Genetics (formerly Invitae), Labcorp); PubMed 9536090 (cited by Labcorp Genetics (formerly Invitae), Labcorp).

NM_000117.3(EMD):c.359_362del (p.Gln119_Ser120insTer)

Gene: EMD (emerin; plus strand). Cytogenetic location: Xq28.
Variant type: Microsatellite.
Coding change: c.359_362del on transcript NM_000117.3 (MANE Select); coding-DNA positions 359 to 362, 4 bases deleted (CAGT; older notation c.359_362delCAGT).
Protein change: p.Gln119_Ser120insTer.
Molecular consequence: nonsense. On other transcripts: frameshift variant (2).
Genome position (GRCh38, 1-based): chrX:154,380,327-154,380,330, CAGT deleted; deleting any 4 consecutive bases within chrX:154,380,323-154,380,330 gives the same sequence; the c. name uses the placement nearest the transcript's 3' end. VCF-style (leftmost placement, unchanged base first): chrX-154380322-CCAGT-C. GRCh37 (hg19) VCF-style: chrX-153608682-CCAGT-C.
Other names: c.355_358CAGT[1], p.Ser120Terfs (NM_000117.2); c.359_362del (NM_000117.2).
Identifiers: ClinVar variation 3383705 (VCV003383705.2).
Genomic context (GRCh38, chrX:154,380,322, plus strand): 5'-CTACTTCACCACCAGGACTTATGGGGAGCCCGAGTCTGCCGGCCCGTCCAGGGCTGTCCG[CCAGT>C]CAGTGACTTCATTCCCAGATGCTGACGCTTTCCATCACCAGGTGAGCTGGCTGGCAGGCG-3'